The following is an entry in ClinVar:

ClinVar aggregate classification (germline): Likely benign (1 of 4 stars; one submission).

Submission:

GeneDx
Classification: Likely benign. Last evaluated: 2016-08-01. Review status: criteria provided, single submitter. Criteria: GeneDx Variant Classification (06012015). Collection method: clinical testing. Allele origin: germline. Affected: yes.
Comment: This variant is considered likely benign or benign based on one or more of the following criteria: it is a conservative change, it occurs at a poorly conserved position in the protein, it is predicted to be benign by multiple in silico algorithms, and/or has population frequency not consistent with disease.

NM_001267550.2(TTN):c.90090A>G (p.Val30030=)

Genes: TTN (titin; minus strand), TTN-AS1 (TTN antisense RNA 1; plus strand). Cytogenetic location: 2q31.2.
Variant type: single nucleotide variant.
Coding change: c.90090A>G on transcript NM_001267550.2 (MANE Select); coding-DNA position 90090, A replaced by G.
Protein change: p.Val30030=; no amino-acid change (valine 30030 retained).
Molecular consequence: synonymous variant.
Genome position (GRCh38, 1-based): chr2:178,552,810, T>C on the plus strand (A>G on the coding strand, the complement: TTN is on the minus strand). VCF-style: chr2-178552810-T-C. GRCh37 (hg19) VCF-style: chr2-179417537-T-C.
Other names: c.85167A>G, p.Val28389= (NM_001256850.1); c.62895A>G, p.Val20965= (NM_003319.4); c.82386A>G, p.Val27462= (NM_133378.4); c.63270A>G, p.Val21090= (NM_133432.3); c.63471A>G, p.Val21157= (NM_133437.4).
Identifiers: ClinVar variation 387589 (VCV000387589.1), dbSNP rs1057522830, ClinGen allele CA16603985.